The following is an entry in ClinVar:

NM_007194.4(CHEK2):c.118_119delinsCC (p.Ser40Pro)

Gene: CHEK2 (checkpoint kinase 2; minus strand). Cytogenetic location: 22q12.1.
Variant type: Indel.
Coding change: c.118_119delinsCC on transcript NM_007194.4 (MANE Select); coding-DNA positions 118 to 119, AG replaced by CC.
Protein change: p.Ser40Pro; replaces serine 40 with proline.
Molecular consequence: missense variant.
Genome position (GRCh38, 1-based): chr22:28,734,603-28,734,604, CT replaced by GG on the plus strand (AG replaced by CC on the coding strand, the reverse complement: CHEK2 is on the minus strand). VCF-style: chr22-28734603-CT-GG. GRCh37 (hg19) VCF-style: chr22-29130591-CT-GG.
Other names: c.118_119delAGinsCC, p.Ser40Pro (NM_001005735.3, NM_001349956.3, NM_145862.3); c.-660_-659delAGinsCC (NM_001257387.3); short protein forms S40P.
Identifiers: ClinVar variation 572199 (VCV000572199.9), dbSNP rs1569171216, ClinGen allele CA891844565.

ClinVar aggregate classification (germline): Uncertain significance (1 of 4 stars; one submission).

Conditions:
Familial cancer of breast. Also called: hereditary breast carcinoma; BREAST CANCER, FAMILIAL; Hereditary breast cancer. Identifiers: Orphanet 227535, MedGen C0346153, MONDO:0016419, OMIM 114480. Disease mechanism: loss of function.

Submission:

Labcorp Genetics (formerly Invitae), Labcorp
Classification: Uncertain significance for Familial cancer of breast. Last evaluated: 2022-01-27. Review status: criteria provided, single submitter. Criteria: Invitae Variant Classification Sherloc (09022015). Collection method: clinical testing. Allele origin: germline.
Comment: This sequence change replaces serine, which is neutral and polar, with proline, which is neutral and non-polar, at codon 40 of the CHEK2 protein (p.Ser40Pro). Information on the frequency of this variant in the gnomAD database is not available, as this variant may be reported differently in the database. This variant has not been reported in the literature in individuals affected with CHEK2-related conditions. ClinVar contains an entry for this variant (Variation ID: 572199). Algorithms developed to predict the effect of missense changes on protein structure and function are either unavailable or do not agree on the potential impact of this missense change (SIFT: "Not Available"; PolyPhen-2: "Benign"; Align-GVGD: "Not Available"). In summary, the available evidence is currently insufficient to determine the role of this variant in disease. Therefore, it has been classified as a Variant of Uncertain Significance.